The following is an entry in ClinVar:

NM_018670.4(MESP1):c.204C>T (p.Ser68=)

Genes: MESP1 (mesoderm posterior bHLH transcription factor 1; minus strand), LOC130057889 (ATAC-STARR-seq lymphoblastoid silent region 6804; plus strand). Cytogenetic location: 15q26.1.
Variant type: single nucleotide variant.
Coding change: c.204C>T on transcript NM_018670.4 (MANE Select); coding-DNA position 204, C replaced by T.
Protein change: p.Ser68=; no amino-acid change (serine 68 retained).
Molecular consequence: synonymous variant.
Genome position (GRCh38, 1-based): chr15:89,751,028, G>A on the plus strand (C>T on the coding strand, the complement: MESP1 is on the minus strand). VCF-style: chr15-89751028-G-A. GRCh37 (hg19) VCF-style: chr15-90294259-G-A.
Other names: c.204C>T (NM_018670.3).
Identifiers: ClinVar variation 1600664 (VCV001600664.11), dbSNP rs114552825, ClinGen allele CA7730273.

ClinVar aggregate classification (germline): Benign. Review status: criteria provided, multiple submitters, no conflicts (2 of 4 stars). 3 submissions from 3 submitters: Benign (2). 1 of the submissions does not count toward it. Last evaluated 2026-01-07.

Conditions:
MESP1-related disorder. Also called: MESP1-related condition.

Allele frequency attached by ClinVar (database versions not stated): gnomAD exomes 0.00762; ESP Exome Variant Server 0.01103; gnomAD 0.01609 and 0.01725; TOPMed 0.01818; 1000 Genomes Project 30x 0.01905; 1000 Genomes Project 0.01937; ExAC 0.04146.
gnomAD v4.1: 4,237 of 1,353,126 alleles (0.31%); highest among the groups gnomAD compares: African/African-American, 5.7%; 141 homozygotes.

Submissions (3):

Labcorp Genetics (formerly Invitae), Labcorp
Classification: Benign. Last evaluated: 2026-01-07. Review status: criteria provided, single submitter. Criteria: Invitae Variant Classification Sherloc (09022015). Collection method: clinical testing. Allele origin: germline.

Breakthrough Genomics
Classification: Benign. Review status: criteria provided, single submitter. Criteria: ACMG Guidelines, 2015. Collection method: not provided. Allele origin: germline. Inheritance: Unknown mechanism. Affected: yes.

PreventionGenetics, part of Exact Sciences
Classification: Benign for MESP1-related condition. Last evaluated: 2019-04-12. Review status: no assertion criteria provided. Collection method: clinical testing. Allele origin: germline. Not counted in ClinVar's aggregate classification.
Comment: This variant is classified as benign based on ACMG/AMP sequence variant interpretation guidelines (Richards et al. 2015 PMID: 25741868, with internal and published modifications).